The following is an entry in ClinVar:

NM_182931.3(KMT2E):c.5279C>T (p.Pro1760Leu)

Gene: KMT2E (lysine methyltransferase 2E (inactive); plus strand). Cytogenetic location: 7q22.3.
Variant type: single nucleotide variant.
Coding change: c.5279C>T on transcript NM_182931.3 (MANE Select); coding-DNA position 5279, C replaced by T.
Protein change: p.Pro1760Leu; replaces proline 1760 with leucine.
Molecular consequence: missense variant.
Genome position (GRCh38, 1-based): chr7:105,113,035, C>T. VCF-style: chr7-105113035-C-T. GRCh37 (hg19) VCF-style: chr7-104753482-C-T.
Other names: c.5153C>T, p.Pro1718Leu (NM_001410908.1); c.5279C>T, p.Pro1760Leu (NM_018682.4); short protein forms P1718L, P1760L.
Identifiers: ClinVar variation 1944745 (VCV001944745.6), dbSNP rs566653440, ClinGen allele CA4424955.

ClinVar aggregate classification (germline): Uncertain significance. Review status: criteria provided, single submitter (1 of 4 stars). 2 submissions from 2 submitters: Uncertain significance (1). 1 of the submissions does not count toward it. Last evaluated 2024-04-29.

Conditions:
O'Donnell-Luria-Rodan syndrome (ODLURO). Also called: KMT2E-Related Neurodevelopmental Disorder. Identifiers: MedGen C5193138, MONDO:0032793, OMIM 618512.

Allele frequency attached by ClinVar (database versions not stated): gnomAD exomes 0.00004; gnomAD 0.00005; ExAC 0.00007; TOPMed 0.00008; 1000 Genomes Project 30x 0.00016; 1000 Genomes Project 0.00020.

Submissions (2):

Labcorp Genetics (formerly Invitae), Labcorp
Classification: Uncertain significance. Last evaluated: 2024-04-29. Review status: criteria provided, single submitter. Criteria: Invitae Variant Classification Sherloc (09022015). Collection method: clinical testing. Allele origin: germline.
Comment: This sequence change replaces proline, which is neutral and non-polar, with leucine, which is neutral and non-polar, at codon 1760 of the KMT2E protein (p.Pro1760Leu). This variant is present in population databases (rs566653440, gnomAD 0.03%). This variant has not been reported in the literature in individuals affected with KMT2E-related conditions. ClinVar contains an entry for this variant (Variation ID: 1944745). An algorithm developed to predict the effect of missense changes on protein structure and function (PolyPhen-2) suggests that this variant is likely to be tolerated. In summary, the available evidence is currently insufficient to determine the role of this variant in disease. Therefore, it has been classified as a Variant of Uncertain Significance.

Hong-Tao Li Lab, Institute of Brain Science and Brain-inspired Research, Shandong First Medical University & Shandong Academy of Medical Sciences China
Classification: Uncertain significance for O'Donnell-Luria-Rodan syndrome. Review status: no assertion criteria provided. Collection method: research. Allele origin: germline. Inheritance: Autosomal dominant inheritance. Affected: yes. Observed: 1 variant allele, 1 heterozygote. Not counted in ClinVar's aggregate classification.
Comment: Observed in affected individuals from a Pakistani neurodevelopmental-disorder research cohort of 263 individuals. Classification assigned using the ACMG/AMP framework. Population-frequency evidence: gnomAD AF 4.598e-05.